The following is an entry in ClinVar:

NM_001470.4(GABBR1):c.160A>G (p.Ile54Val)

Gene: GABBR1 (gamma-aminobutyric acid type B receptor subunit 1; minus strand). Cytogenetic location: 6p22.1.
Variant type: single nucleotide variant.
Coding change: c.160A>G on transcript NM_001470.4 (MANE Select); coding-DNA position 160, A replaced by G.
Protein change: p.Ile54Val; replaces isoleucine 54 with valine.
Molecular consequence: missense variant. On other transcripts: 5 prime UTR variant (1).
Genome position (GRCh38, 1-based): chr6:29,631,525, T>C on the plus strand (A>G on the coding strand, the complement: GABBR1 is on the minus strand). VCF-style: chr6-29631525-T-C. GRCh37 (hg19) VCF-style: chr6-29599302-T-C.
Other names: c.-308A>G (NM_001319053.2); c.160A>G, p.Ile54Val (NM_021904.4); short protein forms I54V.
Identifiers: ClinVar variation 4884936 (VCV004884936.2).

ClinVar aggregate classification (germline): Uncertain significance (1 of 4 stars; one submission).

gnomAD v4.1: 1 of 1,614,062 alleles (0.000062%); highest among the groups gnomAD compares: African/African-American, 0.0013%; no homozygotes.

Submission:

Dasa
Classification: Uncertain significance. Last evaluated: 2024-11-14. Review status: criteria provided, single submitter. Criteria: DASA Assertion Criteria. Collection method: clinical testing. Allele origin: germline.
Comment: NM_001470.4(GABBR1):c.160A>G (p.Ile54Val) is a missense variant that results in the substitution of isoleucine with valine. This variant is rare in population databases. Computational prediction algorithms are consistent with a benign effect. The currently available literature and clinical evidence are not sufficient to establish a definitive association between this variant and the reported condition. Therefore, this variant is classified as a variant of uncertain significance.